The following is an entry in ClinVar:

NM_032977.4(CASP10):c.507C>G (p.Cys169Trp)

Gene: CASP10 (caspase 10; plus strand). Cytogenetic location: 2q33.1.
Variant type: single nucleotide variant.
Coding change: c.507C>G on transcript NM_032977.4 (MANE Select); coding-DNA position 507, C replaced by G.
Protein change: p.Cys169Trp; replaces cysteine 169 with tryptophan.
Molecular consequence: missense variant.
Genome position (GRCh38, 1-based): chr2:201,193,049, C>G. VCF-style: chr2-201193049-C-G. GRCh37 (hg19) VCF-style: chr2-202057772-C-G.
Other names: p.Cys169Trp; c.507C>G, p.Cys169Trp (NM_001206524.2, NM_001206542.2, NM_001230.5 and 3 more transcripts); short protein forms C169W.
Identifiers: ClinVar variation 565644 (VCV000565644.22), dbSNP rs774005416, ClinGen allele CA2052891.

ClinVar aggregate classification (germline): Uncertain significance. Review status: criteria provided, multiple submitters, no conflicts (2 of 4 stars). 6 submissions from 6 submitters: Uncertain significance (5). 1 of the submissions does not count toward it. Last evaluated 2026-01-12.

Conditions:
CASP10-related disorder. Also called: CASP10-related condition.
Autoimmune lymphoproliferative syndrome type 2A (ALPS2A). Also called: CASP10-Related Autoimmune Lymphoproliferative Syndrome; AUTOIMMUNE LYMPHOPROLIFERATIVE SYNDROME, TYPE IIA; Autoimmune lymphoproliferative syndrome type 2. Identifiers: Orphanet 3261, MedGen C1858968, MONDO:0011383, OMIM 603909.

Allele frequency attached by ClinVar (database versions not stated): ExAC 0.00001; gnomAD exomes 0.00002; gnomAD 0.00003 and 0.00004; TOPMed 0.00005.
gnomAD v4.1: 83 of 1,613,390 alleles (0.0051%); highest among the groups gnomAD compares: Non-Finnish European, 0.0068%; no homozygotes.

Submissions (6):

Labcorp Genetics (formerly Invitae), Labcorp
Classification: Uncertain significance for Autoimmune lymphoproliferative syndrome type 2A. Last evaluated: 2026-01-12. Review status: criteria provided, single submitter. Criteria: Invitae Variant Classification Sherloc (09022015). Collection method: clinical testing. Allele origin: germline.
Comment: This sequence change replaces cysteine, which is neutral and slightly polar, with tryptophan, which is neutral and slightly polar, at codon 169 of the CASP10 protein (p.Cys169Trp). This variant is present in population databases (rs774005416, gnomAD 0.003%). This variant has not been reported in the literature in individuals affected with CASP10-related conditions. ClinVar contains an entry for this variant (Variation ID: 565644). Invitae Evidence Modeling of protein sequence and biophysical properties (such as structural, functional, and spatial information, amino acid conservation, physicochemical variation, residue mobility, and thermodynamic stability) indicates that this missense variant is not expected to disrupt CASP10 protein function with a negative predictive value of 80%. In summary, the available evidence is currently insufficient to determine the role of this variant in disease. Therefore, it has been classified as a Variant of Uncertain Significance.

Ambry Genetics
Classification: Uncertain significance. Last evaluated: 2025-11-07. Review status: criteria provided, single submitter. Criteria: Ambry Variant Classification Scheme 2023. Collection method: clinical testing. Allele origin: germline.

Mayo Clinic Laboratories, Mayo Clinic
Classification: Uncertain significance. Last evaluated: 2025-09-19. Review status: criteria provided, single submitter. Criteria: ACMG Guidelines, 2015. Collection method: clinical testing. Allele origin: germline. Observed: 1 variant allele.
Comment: BP4_moderate

St. Jude Molecular Pathology, St. Jude Children's Research Hospital
Classification: Uncertain significance for Autoimmune lymphoproliferative syndrome type 2A. Last evaluated: 2023-12-17. Review status: criteria provided, single submitter. Criteria: St. Jude Assertion Criteria 2020. Collection method: clinical testing. Allele origin: germline.
Comment: The CASP10 c.507C>G (p.Cys169Trp) missense change has a maximum subpopulation frequency of 0.0035% in gnomAD v2.1.1. The in silico tool REVEL predicts a benign effect on protein function, but to our knowledge this prediction has not been confirmed by functional studies. To our knowledge, this variant has not been reported in the literature in individuals with autoimmune lymphoproliferative syndrome. In summary, the evidence currently available is insufficient to determine the clinical significance of this variant. It has therefore been classified as of uncertain significance.

Illumina Laboratory Services, Illumina
Classification: Uncertain significance for Autoimmune lymphoproliferative syndrome type 2A. Last evaluated: 2018-01-12. Review status: criteria provided, single submitter. Criteria: ICSL Variant Classification Criteria 13 December 2019. Collection method: clinical testing. Allele origin: germline.

PreventionGenetics, part of Exact Sciences
Classification: Uncertain significance for CASP10-related condition. Last evaluated: 2024-08-28. Review status: no assertion criteria provided. Collection method: clinical testing. Allele origin: germline. Not counted in ClinVar's aggregate classification.
Comment: The CASP10 c.507C>G variant is predicted to result in the amino acid substitution p.Cys169Trp. To our knowledge, this variant has not been reported in the literature. This variant is reported in 0.0035% of alleles in individuals of European (Non-Finnish) descent in gnomAD. Although we suspect that this variant may be benign, at this time, the clinical significance of this variant is uncertain due to the absence of conclusive functional and genetic evidence.